The following is an entry in ClinVar:

ClinVar aggregate classification (germline): Uncertain significance (1 of 4 stars; one submission).

Submission:

Labcorp Genetics (formerly Invitae), Labcorp
Classification: Uncertain significance. Last evaluated: 2024-09-29. Review status: criteria provided, single submitter. Criteria: Invitae Variant Classification Sherloc (09022015). Collection method: clinical testing. Allele origin: germline.
Comment: This sequence change replaces aspartic acid, which is acidic and polar, with tyrosine, which is neutral and polar, at codon 963 of the LRP5 protein (p.Asp963Tyr). This variant is not present in population databases (gnomAD no frequency). This variant has not been reported in the literature in individuals affected with LRP5-related conditions. Invitae Evidence Modeling of protein sequence and biophysical properties (such as structural, functional, and spatial information, amino acid conservation, physicochemical variation, residue mobility, and thermodynamic stability) indicates that this missense variant is not expected to disrupt LRP5 protein function with a negative predictive value of 95%. In summary, the available evidence is currently insufficient to determine the role of this variant in disease. Therefore, it has been classified as a Variant of Uncertain Significance.

NM_002335.4(LRP5):c.2887G>T (p.Asp963Tyr)

Gene: LRP5 (LDL receptor related protein 5; plus strand). Cytogenetic location: 11q13.2.
Variant type: single nucleotide variant.
Coding change: c.2887G>T on transcript NM_002335.4 (MANE Select); coding-DNA position 2887, G replaced by T.
Protein change: p.Asp963Tyr; replaces aspartic acid 963 with tyrosine.
Molecular consequence: missense variant.
Genome position (GRCh38, 1-based): chr11:68,416,387, G>T. VCF-style: chr11-68416387-G-T. GRCh37 (hg19) VCF-style: chr11-68183855-G-T.
Other names: c.1144G>T, p.Asp382Tyr (NM_001291902.2); short protein forms D382Y, D963Y.
Identifiers: ClinVar variation 3634238 (VCV003634238.2).
Genomic context (GRCh38, chr11:68,416,387, plus strand): 5'-GCGCCCACCACCTTCTTGCTGTTCAGCCAGAAATCTGCCATCAGTCGGATGATCCCGGAC[G>T]ACCAGCACAGCCCGGATCTCATCCTGCCCCTGCATGGACTGAGGAACGTCAAAGCCATCG-3'
Protein context (NP_002326.2, residues 953-973): KSAISRMIPD[Asp963Tyr]QHSPDLILPL